The following is an entry in ClinVar:

ClinVar aggregate classification (germline): Pathogenic/Likely pathogenic. Review status: criteria provided, multiple submitters, no conflicts (2 of 4 stars). 8 submissions from 8 submitters: Pathogenic (2); Likely pathogenic (4). 2 of the submissions do not count toward it. Last evaluated 2025-08-30.

Conditions:
OAT-related disorder. Also called: OAT-related condition.
Ornithine aminotransferase deficiency (GACR). Also called: OKT DEFICIENCY; OAT DEFICIENCY; Ornithine ketoacid aminotransferase deficiency; Gyrate atrophy; Gyrate atrophy of choroid and retina; Girate atrophy of the retina. Identifiers: Orphanet 414, MedGen C0018425, MONDO:0009796, OMIM 258870.

Allele frequency attached by ClinVar (database versions not stated): gnomAD 0.00001; TOPMed 0.00001; ExAC 0.00004; gnomAD exomes 0.00004.
gnomAD v4.1: 49 of 1,610,854 alleles (0.003%); highest among the groups gnomAD compares: Non-Finnish European, 0.0042%; no homozygotes.

Submissions (8):

Natera, Inc.
Classification: Likely pathogenic for Gyrate atrophy. Last evaluated: 2025-08-30. Review status: criteria provided, single submitter. Criteria: Natera Variant Classification Schema (03/2026). Collection method: clinical testing. Allele origin: germline.
Comment: The c.1058G>A variant in OAT is a missense variant predicted to cause substitution of glycine to aspartic acid at amino acid 353. This variant is rare in the general population with a frequency below the threshold expected for the associated phenotype(s). This variant has been observed in one or more individuals affected with the associated recessive disease, as either homozygous or compound heterozygous with a second variant (PMID: 38847892). Functional studies show that this variant may disrupt protein function (PMID: 39053126). Computational prediction algorithms indicate this variant is likely to affect gene or protein function. Given the available evidence, this variant is classified as Likely Pathogenic.

Labcorp Genetics (formerly Invitae), Labcorp
Classification: Likely pathogenic for Ornithine aminotransferase deficiency. Last evaluated: 2025-07-31. Review status: criteria provided, single submitter. Criteria: Invitae Variant Classification Sherloc (09022015). Collection method: clinical testing. Allele origin: germline.
Comment: This sequence change replaces glycine, which is neutral and non-polar, with aspartic acid, which is acidic and polar, at codon 353 of the OAT protein (p.Gly353Asp). This variant is present in population databases (rs121965053, gnomAD 0.008%). This missense change has been observed in individual(s) with clinical features of gyrate atrophy (PMID: 1737786, 34466343; internal data). In at least one individual the data is consistent with being in trans (on the opposite chromosome) from a pathogenic variant. ClinVar contains an entry for this variant (Variation ID: 170). Invitae Evidence Modeling of protein sequence and biophysical properties (such as structural, functional, and spatial information, amino acid conservation, physicochemical variation, residue mobility, and thermodynamic stability) indicates that this missense variant is expected to disrupt OAT protein function with a positive predictive value of 80%. In summary, the currently available evidence indicates that the variant is pathogenic, but additional data are needed to prove that conclusively. Therefore, this variant has been classified as Likely Pathogenic.

Myriad Genetics, Inc.
Classification: Pathogenic for Ornithine aminotransferase deficiency. Last evaluated: 2025-06-11. Review status: criteria provided, single submitter. Criteria: Myriad Autosomal Dominant, Autosomal Recessive and X-Linked Classification Criteria (2023). Collection method: clinical testing. Allele origin: unknown.
Comment: NM_000274.3(OAT):c.1058G>A(G353D) is a missense variant classified as pathogenic in the context of ornithine aminotransferase deficiency. G353D has been observed in cases with relevant disease (PMID: 38847892, 34466343, 36909829, 37667371, 1737786). Relevant functional assessments of this variant are available in the literature (PMID: 1737786, 39053126). G353D has been observed in referenced population frequency databases. In summary, NM_000274.3(OAT):c.1058G>A(G353D) is a missense variant that has been observed more frequently in cases with the relevant disease than in healthy populations. Please note: this variant was assessed in the context of healthy population screening.

Ophthalmic Genetics Group, Institute of Molecular and Clinical Ophthalmology Basel
Classification: Likely pathogenic for Ornithine aminotransferase deficiency. Last evaluated: 2023-07-24. Review status: criteria provided, single submitter. Criteria: ACMG Guidelines, 2015. Collection method: research. Allele origin: germline. Affected: yes. Observed: 1 variant allele.
Comment: Clinical significance based on ACMG v2.0

This variant was classified as Likely pathogenic based on ACMG criteria: PP3, PM2, PP2, PP5.

Blueprint Genetics
Classification: Likely pathogenic for OAT-related disorders. Last evaluated: 2023-02-27. Review status: criteria provided, single submitter. Criteria: ACMG Guidelines, 2015. Collection method: clinical testing. Allele origin: germline. Affected: yes. Observed: 2 variant alleles.

CeGaT Center for Human Genetics Tuebingen
Classification: Pathogenic. Last evaluated: 2018-10-01. Review status: criteria provided, single submitter. Criteria: CeGaT Center For Human Genetics Tuebingen Variant Classification Criteria Version 2. Collection method: clinical testing. Allele origin: germline. Affected: yes. Observed: 1 variant allele.

OMIM
Classification: Pathogenic for GYRATE ATROPHY OF CHOROID AND RETINA. Last evaluated: 1992-06-01. Review status: no assertion criteria provided. Collection method: literature only. Allele origin: germline. Not counted in ClinVar's aggregate classification.

Clinical Genetics DNA and cytogenetics Diagnostics Lab, Erasmus MC, Erasmus Medical Center
Classification: Pathogenic. Review status: no assertion criteria provided. Collection method: clinical testing. Allele origin: germline. Affected: yes. Study: VKGL Data-share Consensus. Not counted in ClinVar's aggregate classification.

Literature cited by the submitters: PubMed 38847892 (cited by Natera, Inc. and Myriad Genetics, Inc.); PubMed 39053126 (cited by Natera, Inc. and Myriad Genetics, Inc.); PubMed 1737786 (cited by Labcorp Genetics (formerly Invitae), Labcorp and Myriad Genetics, Inc.); PubMed 34466343 (cited by Labcorp Genetics (formerly Invitae), Labcorp and Myriad Genetics, Inc.); PubMed 36909829 (cited by Myriad Genetics, Inc. and Ophthalmic Genetics Group, Institute of Molecular and Clinical Ophthalmology Basel); PubMed 37667371 (cited by Myriad Genetics, Inc.); PubMed 1612597 (cited by OMIM).

NM_000274.4(OAT):c.1058G>A (p.Gly353Asp)

Gene: OAT (ornithine aminotransferase; minus strand). Cytogenetic location: 10q26.13.
Variant type: single nucleotide variant.
Coding change: c.1058G>A on transcript NM_000274.4 (MANE Select); coding-DNA position 1058, G replaced by A.
Protein change: p.Gly353Asp; replaces glycine 353 with aspartic acid.
Molecular consequence: missense variant.
Genome position (GRCh38, 1-based): chr10:124,400,941, C>T on the plus strand (G>A on the coding strand, the complement: OAT is on the minus strand). VCF-style: chr10-124400941-C-T. GRCh37 (hg19) VCF-style: chr10-126089510-C-T.
Other names: NC_000010.10:g.126089510C>T; NP_000265.1:p.(Gly353Asp); c.644G>A, p.Gly215Asp (NM_001171814.2); c.1058G>A, p.Gly353Asp (NM_001322965.2, NM_001322966.2, NM_001322967.2 and 3 more transcripts); c.737G>A, p.Gly246Asp (NM_001322971.2); c.458G>A, p.Gly153Asp (NM_001322974.2); c.1058G>A (NM_000274.3); short protein forms G353D, G215D, G153D, G246D.
Identifiers: ClinVar variation 170 (VCV000000170.50), dbSNP rs121965053, ClinGen allele CA113981.